The following is an entry in ClinVar:

NM_001134363.3(RBM20):c.1267G>A (p.Asp423Asn)

Gene: RBM20 (RNA binding motif protein 20; plus strand). Cytogenetic location: 10q25.2.
Variant type: single nucleotide variant.
Coding change: c.1267G>A on transcript NM_001134363.3 (MANE Select); coding-DNA position 1267, G replaced by A.
Protein change: p.Asp423Asn; replaces aspartic acid 423 with asparagine.
Molecular consequence: missense variant.
Genome position (GRCh38, 1-based): chr10:110,781,876, G>A. VCF-style: chr10-110781876-G-A. GRCh37 (hg19) VCF-style: chr10-112541634-G-A.
Other names: short protein forms D423N.
Identifiers: ClinVar variation 3787517 (VCV003787517.1).

ClinVar aggregate classification (germline): Uncertain significance (1 of 4 stars; one submission).

Conditions:
Cardiovascular phenotype. Identifiers: MedGen CN230736.

Submission:

Ambry Genetics
Classification: Uncertain significance for Cardiovascular phenotype. Last evaluated: 2025-03-13. Review status: criteria provided, single submitter. Criteria: Ambry Variant Classification Scheme 2023. Collection method: clinical testing. Allele origin: germline.
Comment: The p.D423N variant (also known as c.1267G>A), located in coding exon 2 of the RBM20 gene, results from a G to A substitution at nucleotide position 1267. The aspartic acid at codon 423 is replaced by asparagine, an amino acid with highly similar properties. This amino acid position is conserved. In addition, this alteration is predicted to be tolerated by in silico analysis. Based on the available evidence, the clinical significance of this variant remains unclear.